The following is an entry in ClinVar:

ClinVar aggregate classification (germline): Uncertain significance (1 of 4 stars; one submission).

Submission:

GeneDx
Classification: Uncertain significance. Last evaluated: 2026-04-18. Review status: criteria provided, single submitter. Criteria: GeneDx Variant Classification Process June 2021. Collection method: clinical testing. Allele origin: germline.
Comment: Not observed at significant frequency in large population cohorts (gnomAD); In silico analysis supports a deleterious effect on protein structure/function; Has not been previously published as pathogenic or benign to our knowledge

NM_001394998.1(TANC2):c.3967_3968delinsGA (p.Ile1323Asp)

Genes: TANC2 (tetratricopeptide repeat, ankyrin repeat and coiled-coil containing 2; plus strand), LOC105371856 (uncharacterized LOC105371856; minus strand). Cytogenetic location: 17q23.3.
Variant type: Indel.
Coding change: c.3967_3968delinsGA on transcript NM_001394998.1 (MANE Select); coding-DNA positions 3967 to 3968, AT replaced by GA.
Protein change: p.Ile1323Asp; replaces isoleucine 1323 with aspartic acid.
Molecular consequence: missense variant.
Genome position (GRCh38, 1-based): chr17:63,413,581-63,413,582, AT replaced by GA. VCF-style: chr17-63413581-AT-GA. GRCh37 (hg19) VCF-style: chr17-61490942-AT-GA.
Other names: c.3745_3746delinsGA, p.Ile1249Asp (NM_001411076.1); c.3715_3716delinsGA, p.Ile1239Asp (NM_025185.4); short protein forms I1239D, I1249D, I1323D.
Identifiers: ClinVar variation 3899425 (VCV003899425.2).